The following is an entry in ClinVar:

NM_001267550.2(TTN):c.63332C>T (p.Ser21111Phe)

Genes: TTN (titin; minus strand), TTN-AS1 (TTN antisense RNA 1; plus strand). Cytogenetic location: 2q31.2.
Variant type: single nucleotide variant.
Coding change: c.63332C>T on transcript NM_001267550.2 (MANE Select); coding-DNA position 63332, C replaced by T.
Protein change: p.Ser21111Phe; replaces serine 21111 with phenylalanine.
Molecular consequence: missense variant.
Genome position (GRCh38, 1-based): chr2:178,588,075, G>A on the plus strand (C>T on the coding strand, the complement: TTN is on the minus strand). VCF-style: chr2-178588075-G-A. GRCh37 (hg19) VCF-style: chr2-179452802-G-A.
Other names: c.58409C>T, p.Ser19470Phe (NM_001256850.1); c.36137C>T, p.Ser12046Phe (NM_003319.4); c.55628C>T, p.Ser18543Phe (NM_133378.4); c.36512C>T, p.Ser12171Phe (NM_133432.3); c.36713C>T, p.Ser12238Phe (NM_133437.4); short protein forms S21111F, S12238F, S19470F, S12046F, S18543F, S12171F.
Identifiers: ClinVar variation 404729 (VCV000404729.4), dbSNP rs547033801, ClinGen allele CA1992103.

ClinVar aggregate classification (germline): Uncertain significance. Review status: criteria provided, multiple submitters, no conflicts (2 of 4 stars). 2 submissions from 2 submitters: Uncertain significance (2). Last evaluated 2021-04-23.

Conditions:
Dilated cardiomyopathy 1G (CMD1G). Identifiers: Orphanet 154, MedGen C1858763, MONDO:0011400, OMIM 604145.
Autosomal recessive limb-girdle muscular dystrophy type 2J (LGMDR10). Also called: Limb-girdle muscular dystrophy, type 2J; MUSCULAR DYSTROPHY, LIMB-GIRDLE, AUTOSOMAL RECESSIVE 10. Identifiers: Orphanet 140922, MedGen C1837342, MONDO:0012127, OMIM 608807.

Allele frequency attached by ClinVar (database versions not stated): gnomAD exomes below 0.00001; TOPMed below 0.00001; ExAC 0.00001; gnomAD 0.00001; 1000 Genomes Project 30x 0.00016; 1000 Genomes Project 0.00020.
gnomAD v4.1: 7 of 1,612,954 alleles (0.00043%); highest among the groups gnomAD compares: Admixed American, 0.012%; no homozygotes.

Submissions (2):

Women's Health and Genetics/Laboratory Corporation of America, LabCorp
Classification: Uncertain significance. Last evaluated: 2021-04-23. Review status: criteria provided, single submitter. Criteria: LabCorp Variant Classification Summary - May 2015. Collection method: clinical testing. Allele origin: germline.
Comment: Variant summary: TTN c.55628C>T (p.Ser18543Phe) results in a non-conservative amino acid change located in the A-band of the encoded protein sequence. Four of five in-silico tools predict a damaging effect of the variant on protein function. The variant allele was found at a frequency of 4e-06 in 247984 control chromosomes (gnomAD). The available data on variant occurrences in the general population are insufficient to allow any conclusion about variant significance. To our knowledge, no occurrence of c.55628C>T in individuals affected with Limb-Girdle Muscular Dystrophy, Type 2J and no experimental evidence demonstrating its impact on protein function have been reported. One clinical diagnostic laboratory has submitted clinical-significance assessments for this variant to ClinVar after 2014 without evidence for independent evaluation and classified the variant as uncertain significance. Based on the evidence outlined above, the variant was classified as uncertain significance.

Labcorp Genetics (formerly Invitae), Labcorp
Classification: Uncertain significance for Dilated cardiomyopathy 1G; Autosomal recessive limb-girdle muscular dystrophy type 2J. Last evaluated: 2017-07-21. Review status: criteria provided, single submitter. Criteria: Invitae Variant Classification Sherloc (09022015). Collection method: clinical testing. Allele origin: germline.